The following is an entry in ClinVar:

NM_001148.6(ANK2):c.4952C>T (p.Pro1651Leu)

Gene: ANK2 (ankyrin 2; plus strand). Cytogenetic location: 4q26.
Variant type: single nucleotide variant.
Coding change: c.4952C>T on transcript NM_001148.6 (MANE Select); coding-DNA position 4952, C replaced by T.
Protein change: p.Pro1651Leu; replaces proline 1651 with leucine.
Molecular consequence: missense variant. On other transcripts: intron variant (68).
Genome position (GRCh38, 1-based): chr4:113,353,570, C>T. VCF-style: chr4-113353570-C-T. GRCh37 (hg19) VCF-style: chr4-114274726-C-T.
Other names: c.4718C>T, p.Pro1573Leu (NM_001386142.1); c.1352C>T, p.Pro451Leu (NM_001386166.1); c.4240+3321C>T (NM_001354266.2, NM_001354276.2, NM_001354267.2 and 2 more transcripts); c.4207+3321C>T (NM_001386146.1, NM_001386150.1, NM_001386149.1 and 1 more transcripts); c.4192+3321C>T (NM_001354274.2, NM_001386154.1); c.4141+3321C>T (NM_001386151.1, NM_001354260.2, NM_001354271.2); c.4042+3321C>T (NM_001386157.1, NM_001354277.2); c.4360+3321C>T (NM_001386161.1, NM_001354244.2, NM_001354256.2); and 35 more; short protein forms P1690L, P451L, P1651L, P1698L, P1573L.
Identifiers: ClinVar variation 2855372 (VCV002855372.3), dbSNP rs779559603, ClinGen allele CA357917508.

ClinVar aggregate classification (germline): Uncertain significance (1 of 4 stars; one submission).

Conditions:
Long QT syndrome (LQTS). Identifiers: MedGen C0023976, MeSH D008133, MONDO:0002442. Disease mechanism: loss of function. Inheritance: Various modes of inheritance.

Submission:

Labcorp Genetics (formerly Invitae), Labcorp
Classification: Uncertain significance for Long QT syndrome. Last evaluated: 2023-05-25. Review status: criteria provided, single submitter. Criteria: Invitae Variant Classification Sherloc (09022015). Collection method: clinical testing. Allele origin: germline.
Comment: In summary, the available evidence is currently insufficient to determine the role of this variant in disease. Therefore, it has been classified as a Variant of Uncertain Significance. An algorithm developed to predict the effect of missense changes on protein structure and function (PolyPhen-2) suggests that this variant is likely to be tolerated. This variant has not been reported in the literature in individuals affected with ANK2-related conditions. This variant is not present in population databases (gnomAD no frequency). This sequence change replaces proline, which is neutral and non-polar, with leucine, which is neutral and non-polar, at codon 1651 of the ANK2 protein (p.Pro1651Leu).